The following is an entry in ClinVar:

NM_001267550.2(TTN):c.10700G>A (p.Ser3567Asn)

Gene: TTN (titin; minus strand). Cytogenetic location: 2q31.2.
Variant type: single nucleotide variant.
Coding change: c.10700G>A on transcript NM_001267550.2 (MANE Select); coding-DNA position 10700, G replaced by A.
Protein change: p.Ser3567Asn; replaces serine 3567 with asparagine.
Molecular consequence: missense variant. On other transcripts: intron variant (5).
Genome position (GRCh38, 1-based): chr2:178,756,776, C>T on the plus strand (G>A on the coding strand, the complement: TTN is on the minus strand). VCF-style: chr2-178756776-C-T. GRCh37 (hg19) VCF-style: chr2-179621503-C-T.
Other names: p.S3396N:AGT>AAT; c.10187G>A, p.Ser3396Asn (NM_133437.4); c.10165+2208G>A (NM_003319.4); c.10540+766G>A (NM_133432.3); c.10303+2208G>A (NM_133379.5, NM_133378.4, NM_001256850.1); short protein forms S3567N, S3396N.
Identifiers: ClinVar variation 47846 (VCV000047846.44), dbSNP rs72955213, ClinGen allele CA284587.
Genomic context (GRCh38, chr2:178,756,776, plus strand): 5'-GTGAAAGAGGAATCTGCCACTGCCTGGGACTTGGTGGACTCTCTTACATCTTTCCCAGAA[C>T]TTTGCCTATCTAGGGCTTGCACTGTATAATCAAGTGACAAGAAAAAGAAAAGAATATTAA-3'
Protein context (NP_001254479.2, residues 3557-3577): TPKVQALDRQ[Ser3567Asn]SGKDVRESTK

ClinVar aggregate classification (germline): Benign/Likely benign. Review status: criteria provided, multiple submitters, no conflicts (2 of 4 stars). 18 submissions from 15 submitters: Benign (11); Likely benign (2). 5 of the submissions do not count toward it. Last evaluated 2026-02-04.

Conditions:
Autosomal recessive limb-girdle muscular dystrophy type 2J (LGMDR10). Also called: Limb-girdle muscular dystrophy, type 2J; MUSCULAR DYSTROPHY, LIMB-GIRDLE, AUTOSOMAL RECESSIVE 10. Identifiers: Orphanet 140922, MedGen C1837342, MONDO:0012127, OMIM 608807.
Dilated cardiomyopathy 1G (CMD1G). Identifiers: Orphanet 154, MedGen C1858763, MONDO:0011400, OMIM 604145.
Early-onset myopathy with fatal cardiomyopathy (CMYO5). Also called: Salih Myopathy; CONGENITAL MYOPATHY 5 WITH CARDIOMYOPATHY. Identifiers: Orphanet 289377, MedGen C2673677, MONDO:0012714, OMIM 611705. Disease mechanism: loss of function.
Myopathy, myofibrillar, 9, with early respiratory failure (MFM9). Also called: Hereditary myopathy with early respiratory failure; EDSTROM MYOPATHY; MYOPATHY, PROXIMAL, WITH EARLY RESPIRATORY MUSCLE INVOLVEMENT; Myopathy, distal, with early respiratory failure, autosomal dominant. Identifiers: Orphanet 178464, Orphanet 34521, MedGen C1863599, MONDO:0011362, OMIM 603689.
Tibial muscular dystrophy (TMD). Also called: UDD MYOPATHY; Udd Distal Myopathy – Tibial Muscular Dystrophy; Tibial muscular dystrophy, tardive. Identifiers: Orphanet 609, MedGen C1838244, MONDO:0010870, OMIM 600334.

Allele frequency attached by ClinVar (database versions not stated): 1000 Genomes Project 0.00639; 1000 Genomes Project 30x 0.00671; TOPMed 0.01173; ESP Exome Variant Server 0.01276; gnomAD 0.01319 and 0.01357; gnomAD exomes 0.01377 and 0.01792; ExAC 0.01405.
gnomAD v4.1: 28,038 of 1,613,548 alleles (1.7%); highest among the groups gnomAD compares: Non-Finnish European, 2%; 305 homozygotes.

Submissions (18):

Labcorp Genetics (formerly Invitae), Labcorp
Classification: Benign for Dilated cardiomyopathy 1G; Autosomal recessive limb-girdle muscular dystrophy type 2J. Last evaluated: 2026-02-04. Review status: criteria provided, single submitter. Criteria: Invitae Variant Classification Sherloc (09022015). Collection method: clinical testing. Allele origin: germline.

ARUP Laboratories, Molecular Genetics and Genomics, ARUP Laboratories
Classification: Benign. Last evaluated: 2025-05-01. Review status: criteria provided, single submitter. Criteria: ARUP Molecular Germline Variant Investigation Process 2024. Collection method: clinical testing. Allele origin: germline.

Molecular Diagnostic Laboratory for Inherited Cardiovascular Disease, Montreal Heart Institute
Classification: Likely benign. Last evaluated: 2025-04-09. Review status: criteria provided, single submitter. Criteria: ACMG Guidelines, 2015. Collection method: clinical testing. Allele origin: germline. Affected: no.

Blueprint Genetics
Classification: Likely benign. Last evaluated: 2024-11-26. Review status: criteria provided, single submitter. Criteria: ACMG Guidelines, 2015. Collection method: clinical testing. Allele origin: germline.

Athena Diagnostics
Classification: Benign. Last evaluated: 2024-04-25. Review status: criteria provided, single submitter. Criteria: Athena Diagnostics Criteria. Collection method: clinical testing. Allele origin: unknown.

Genome-Nilou Lab
Classification: Benign for Autosomal recessive limb-girdle muscular dystrophy type 2J. Last evaluated: 2021-09-10. Review status: criteria provided, single submitter. Criteria: ACMG Guidelines, 2015. Collection method: clinical testing. Allele origin: germline. Affected: no.

Genome-Nilou Lab
Classification: Benign for Myopathy, myofibrillar, 9, with early respiratory failure. Last evaluated: 2021-09-10. Review status: criteria provided, single submitter. Criteria: ACMG Guidelines, 2015. Collection method: clinical testing. Allele origin: germline. Affected: no.

Genome-Nilou Lab
Classification: Benign for Early-onset myopathy with fatal cardiomyopathy. Last evaluated: 2021-09-10. Review status: criteria provided, single submitter. Criteria: ACMG Guidelines, 2015. Collection method: clinical testing. Allele origin: germline. Affected: no.

Genome-Nilou Lab
Classification: Benign for Tibial muscular dystrophy. Last evaluated: 2021-09-10. Review status: criteria provided, single submitter. Criteria: ACMG Guidelines, 2015. Collection method: clinical testing. Allele origin: germline. Affected: no.

Biesecker Lab/Clinical Genomics Section, National Institutes of Health
Classification: Benign. Last evaluated: 2013-06-24. Review status: criteria provided, single submitter. Criteria: Ng et al. (Circ Cardiovasc Genet. 2013). Collection method: research. Allele origin: unknown. Observed: 17 variant alleles. Study: ClinSeq.
Comment: The study set was not selected for affection status in relation to any cancer. Pathogenicity categories were based on literature curation. See Pubmed ID:23861362 for details.

Medical sequencing

GeneDx
Classification: Benign. Last evaluated: 2012-10-24. Review status: criteria provided, single submitter. Criteria: GeneDx Variant Classification (06012015). Collection method: clinical testing. Allele origin: germline. Affected: yes.
Comment: This variant is considered likely benign or benign based on one or more of the following criteria: it is a conservative change, it occurs at a poorly conserved position in the protein, it is predicted to be benign by multiple in silico algorithms, and/or has population frequency not consistent with disease.

Laboratory for Molecular Medicine, Mass General Brigham Personalized Medicine
Classification: Benign. Last evaluated: 2012-03-26. Review status: criteria provided, single submitter. Criteria: LMM Criteria. Collection method: clinical testing. Allele origin: germline. Observed: 54 variant alleles.
Comment: Ser3396Asn in exon 44B of TTN: This variant is not expected to have clinical sig nificance because it has been identified in 1.7% (114/6622) of European American chromosomes from a broad population by the NHLBI Exome Sequencing Project (dbSNP rs72955213).

Breakthrough Genomics
Classification: Benign. Review status: criteria provided, single submitter. Criteria: ACMG Guidelines, 2015. Collection method: not provided. Allele origin: germline. Inheritance: Autosomal recessive inheritance. Affected: yes.

Clinical Genetics, Academic Medical Center
Classification: Benign. Review status: no assertion criteria provided. Collection method: clinical testing. Allele origin: germline. Affected: yes. Study: VKGL Data-share Consensus. Not counted in ClinVar's aggregate classification.

Diagnostic Laboratory, Department of Genetics, University Medical Center Groningen
Classification: Likely benign. Review status: no assertion criteria provided. Collection method: clinical testing. Allele origin: germline. Affected: yes. Study: VKGL Data-share Consensus. Not counted in ClinVar's aggregate classification.

Genome Diagnostics Laboratory, University Medical Center Utrecht
Classification: Likely benign. Review status: no assertion criteria provided. Collection method: clinical testing. Allele origin: germline. Affected: yes. Study: VKGL Data-share Consensus. Not counted in ClinVar's aggregate classification.

Joint Genome Diagnostic Labs from Nijmegen and Maastricht, Radboudumc and MUMC+
Classification: Benign. Review status: no assertion criteria provided. Collection method: clinical testing. Allele origin: germline. Affected: yes. Study: VKGL Data-share Consensus. Not counted in ClinVar's aggregate classification.

Laboratory of Diagnostic Genome Analysis, Leiden University Medical Center (LUMC)
Classification: Likely benign. Review status: no assertion criteria provided. Collection method: clinical testing. Allele origin: germline. Affected: yes. Study: VKGL Data-share Consensus. Not counted in ClinVar's aggregate classification.